The following is an entry in ClinVar:

NM_000228.3(LAMB3):c.2482del (p.Ala828fs)

Gene: LAMB3 (laminin subunit beta 3; minus strand). Cytogenetic location: 1q32.2.
Variant type: Deletion.
Coding change: c.2482del on transcript NM_000228.3 (MANE Select); coding-DNA position 2482, one base deleted (G; older notation c.2482delG).
Protein change: p.Ala828fs; shifts the reading frame from alanine 828.
Molecular consequence: frameshift variant.
Genome position (GRCh38, 1-based): chr1:209,623,056, C deleted on the plus strand (G on the coding strand, the reverse complement: LAMB3 is on the minus strand); the first of 4 consecutive C bases (chr1:209,623,056-209,623,059); deleting any one gives the same sequence. VCF-style (leftmost placement, unchanged base first): chr1-209623055-GC-G. GRCh37 (hg19) VCF-style: chr1-209796400-GC-G.
Other names: c.2482del, p.Ala828fs (NM_001017402.2, NM_001127641.1); short protein forms A828fs.
Identifiers: ClinVar variation 1726790 (VCV001726790.3), dbSNP rs2464790714, ClinGen allele CA2580061964.

ClinVar aggregate classification (germline): Likely pathogenic (1 of 4 stars; one submission).

Conditions:
Junctional epidermolysis bullosa. Identifiers: Orphanet 305, MedGen C0079301, MONDO:0017612.

Submission:

Myriad Genetics, Inc.
Classification: Likely pathogenic for Junctional epidermolysis bullosa. Last evaluated: 2022-01-02. Review status: criteria provided, single submitter. Criteria: Myriad Autosomal Dominant, Autosomal Recessive and X-Linked Classification Criteria (2023). Collection method: clinical testing. Allele origin: unknown.
Comment: NM_000228.2(LAMB3):c.2482delG(A828Pfs*3) is expected to be pathogenic in the context of junctional epidermolysis bullosa, LAMB3-related. This variant is predicted to lead to an abnormal or absent protein product due to the creation of a premature termination codon in LAMB3, a gene where loss-of-function variants are known to be pathogenic. Please note: this variant was assessed in the context of healthy population screening.